The following is an entry in ClinVar:

GRCh38/hg38 7q36.2-36.3(chr7:155007022-159135526)x1

Genes: BLACE (B cell acute lymphoblastic leukemia expressed; minus strand), CNPY1 (canopy FGF signaling regulator 1; minus strand), DNAJB6 (DnaJ heat shock protein family (Hsp40) member B6; plus strand), DYNC2I1 (dynein 2 intermediate chain 1; plus strand), EN2 (engrailed homeobox 2; plus strand) and 170 more. Cytogenetic location: 7q36.2-36.3.
Variant type: copy number loss.
Change: copy number 1 (one copy instead of two) of chr7:155,007,022-159,135,526 (4.13 Mb, GRCh38 coordinates, 1-based), cytogenetic band 7q36.2-36.3.
Identifiers: ClinVar variation 57200 (VCV000057200.1).

ClinVar aggregate classification (germline): Pathogenic (1 of 4 stars; one submission).

Submission:

ISCA site 4
Classification: Pathogenic. Last evaluated: 2011-08-12. Review status: criteria provided, single submitter. Criteria: Kaminsky et al. (Genet Med. 2011). Collection method: clinical testing. Allele origin: unknown. Affected: yes. Observed: 1 variant allele.
Comment: Copy number variation identified through the course of routine clinical cytogenomic testing in postnatal populations. Clinical assertions have been curated as described in Kaminsky et al. 2011.